The following is an entry in ClinVar:

NM_007327.4(GRIN1):c.415C>T (p.Arg139Cys)

Gene: GRIN1 (glutamate ionotropic receptor NMDA type subunit 1; plus strand). Cytogenetic location: 9q34.3.
Variant type: single nucleotide variant.
Coding change: c.415C>T on transcript NM_007327.4 (MANE Select); coding-DNA position 415, C replaced by T.
Protein change: p.Arg139Cys; replaces arginine 139 with cysteine.
Molecular consequence: missense variant.
Genome position (GRCh38, 1-based): chr9:137,145,747, C>T. VCF-style: chr9-137145747-C-T. GRCh37 (hg19) VCF-style: chr9-140040199-C-T.
Other names: c.415C>T, p.Arg139Cys (NM_000832.7, NM_001185090.2, NM_001185091.2 and 1 more transcripts); c.415C>T (NM_007327.3); short protein forms R139C.
Identifiers: ClinVar variation 2115667 (VCV002115667.5), dbSNP rs1832493628, ClinGen allele CA375713858.

ClinVar aggregate classification (germline): Uncertain significance. Review status: criteria provided, multiple submitters, no conflicts (2 of 4 stars). 2 submissions from 2 submitters: Uncertain significance (2). Last evaluated 2023-03-20.

Conditions:
Neurodevelopmental disorder with or without hyperkinetic movements and seizures, autosomal dominant. Also called: Intellectual disability, autosomal dominant 8. Identifiers: MedGen C3280282, MONDO:0013655, OMIM 614254.

Submissions (2):

GeneDx
Classification: Uncertain significance. Last evaluated: 2023-03-20. Review status: criteria provided, single submitter. Criteria: GeneDx Variant Classification Process June 2021. Collection method: clinical testing. Allele origin: germline. Affected: yes.
Comment: Not observed at significant frequency in large population cohorts (gnomAD); In silico analysis supports that this missense variant has a deleterious effect on protein structure/function; Has not been previously published as pathogenic or benign to our knowledge

Labcorp Genetics (formerly Invitae), Labcorp
Classification: Uncertain significance for Neurodevelopmental disorder with or without hyperkinetic movements and seizures, autosomal dominant. Last evaluated: 2022-09-21. Review status: criteria provided, single submitter. Criteria: Invitae Variant Classification Sherloc (09022015). Collection method: clinical testing. Allele origin: germline.
Comment: In summary, the available evidence is currently insufficient to determine the role of this variant in disease. Therefore, it has been classified as a Variant of Uncertain Significance. Advanced modeling of protein sequence and biophysical properties (such as structural, functional, and spatial information, amino acid conservation, physicochemical variation, residue mobility, and thermodynamic stability) has been performed at Invitae for this missense variant, however the output from this modeling did not meet the statistical confidence thresholds required to predict the impact of this variant on GRIN1 protein function. This variant has not been reported in the literature in individuals affected with GRIN1-related conditions. This variant is not present in population databases (gnomAD no frequency). This sequence change replaces arginine, which is basic and polar, with cysteine, which is neutral and slightly polar, at codon 139 of the GRIN1 protein (p.Arg139Cys).